The following is an entry in ClinVar:

NM_001039469.3(MARK2):c.2273T>G (p.Leu758Arg)

Gene: MARK2 (microtubule affinity regulating kinase 2; plus strand). Cytogenetic location: 11q13.1.
Variant type: single nucleotide variant.
Coding change: c.2273T>G on transcript NM_001039469.3 (MANE Select); coding-DNA position 2273, T replaced by G.
Protein change: p.Leu758Arg; replaces leucine 758 with arginine.
Molecular consequence: missense variant.
Genome position (GRCh38, 1-based): chr11:63,909,143, T>G. VCF-style: chr11-63909143-T-G. GRCh37 (hg19) VCF-style: chr11-63676615-T-G.
Other names: c.2066T>G, p.Leu689Arg (NM_001163296.2); c.2036T>G, p.Leu679Arg (NM_001163297.2); c.2081T>G, p.Leu694Arg (NM_004954.5); c.2144T>G, p.Leu715Arg (NM_017490.4); short protein forms L679R, L689R, L694R, L715R, L758R.
Identifiers: ClinVar variation 4854762 (VCV004854762.1).

ClinVar aggregate classification (germline): Uncertain significance (1 of 4 stars; one submission).

Conditions:
Intellectual developmental disorder, autosomal dominant 76. Identifiers: MedGen C6012756, MONDO:0979575, OMIM 621285.

Submission:

3billion
Classification: Uncertain significance for Intellectual developmental disorder, autosomal dominant 76. Last evaluated: 2025-11-25. Review status: criteria provided, single submitter. Criteria: ACMG Guidelines, 2015. Collection method: clinical testing. Allele origin: germline. Affected: yes.
Comment: The variant is not observed in the gnomAD v4.1.0 dataset. Predicted Consequence/Location: Missense variant Therefore, this variant is classified as VUS according to the recommendation of ACMG/AMP guideline.